The following is an entry in ClinVar:

NM_015599.3(PGM3):c.408_409del (p.Ser137fs)

Gene: PGM3 (phosphoglucomutase 3; minus strand). Cytogenetic location: 6q14.1.
Variant type: Deletion.
Coding change: c.408_409del on transcript NM_015599.3 (MANE Select); coding-DNA positions 408 to 409, 2 bases deleted (TT; older notation c.408_409delTT).
Protein change: p.Ser137fs; shifts the reading frame from serine 137.
Molecular consequence: frameshift variant. On other transcripts: non-coding transcript variant (1).
Genome position (GRCh38, 1-based): chr6:83,187,056-83,187,057, AA deleted on the plus strand (TT on the coding strand, the reverse complement: PGM3 is on the minus strand); deleting any 2 consecutive bases within chr6:83,187,056-83,187,058 gives the same sequence; the c. name uses the placement nearest the transcript's 3' end. VCF-style (leftmost placement, unchanged base first): chr6-83187055-GAA-G. GRCh37 (hg19) VCF-style: chr6-83896774-GAA-G.
Other names: c.492_493del, p.Ser165fs (NM_001199917.2, NM_001367287.1); c.165_166del, p.Ser56fs (NM_001199918.2); c.408_409del, p.Ser137fs (NM_001199919.2, NM_001367286.1); short protein forms S165fs, S137fs, S56fs.
Identifiers: ClinVar variation 4724272 (VCV004724272.1).

ClinVar aggregate classification (germline): Pathogenic (1 of 4 stars; one submission).

Conditions:
Immunodeficiency 23 (IMD23). Also called: IMMUNODEFICIENCY WITH HYPER IgE AND COGNITIVE IMPAIRMENT; IMMUNODEFICIENCY-VASCULITIS-MYOCLONUS SYNDROME. Identifiers: Orphanet 443811, MedGen C4014371, MONDO:0014353, OMIM 615816.

Submission:

Labcorp Genetics (formerly Invitae), Labcorp
Classification: Pathogenic for Immunodeficiency 23. Last evaluated: 2025-07-30. Review status: criteria provided, single submitter. Criteria: Invitae Variant Classification Sherloc (09022015). Collection method: clinical testing. Allele origin: germline.
Comment: This sequence change creates a premature translational stop signal (p.Ser165Thrfs*16) in the PGM3 gene. It is expected to result in an absent or disrupted protein product. Loss-of-function variants in PGM3 are known to be pathogenic (PMID: 17548465, 24589341, 24931394). This variant is not present in population databases (gnomAD no frequency). This variant has not been reported in the literature in individuals affected with PGM3-related conditions. For these reasons, this variant has been classified as Pathogenic.

Literature cited by the submitters: PubMed 17548465; PubMed 24589341; PubMed 24931394.